The following is an entry in ClinVar:

NM_005902.4(SMAD3):c.94G>A (p.Glu32Lys)

Gene: SMAD3 (SMAD family member 3; plus strand). Cytogenetic location: 15q22.33.
Variant type: single nucleotide variant.
Coding change: c.94G>A on transcript NM_005902.4 (MANE Select); coding-DNA position 94, G replaced by A.
Protein change: p.Glu32Lys; replaces glutamic acid 32 with lysine.
Molecular consequence: missense variant.
Genome position (GRCh38, 1-based): chr15:67,066,248, G>A. VCF-style: chr15-67066248-G-A. GRCh37 (hg19) VCF-style: chr15-67358586-G-A.
Other names: c.94G>A, p.Glu32Lys (NM_001407011.1, NM_001407012.1, NM_001407013.1); short protein forms E32K.
Identifiers: ClinVar variation 4635565 (VCV004635565.1).

ClinVar aggregate classification (germline): Uncertain significance (1 of 4 stars; one submission).

Conditions:
Familial thoracic aortic aneurysm and aortic dissection (TAAD). Also called: Thoracic aortic aneurysms and dissections. Identifiers: Orphanet 91387, MedGen C4707243, MONDO:0019625.

Submission:

Ambry Genetics
Classification: Uncertain significance for Familial thoracic aortic aneurysm and aortic dissection. Last evaluated: 2025-10-05. Review status: criteria provided, single submitter. Criteria: Ambry Variant Classification Scheme 2023. Collection method: clinical testing. Allele origin: germline.
Comment: The p.E32K variant (also known as c.94G>A), located in coding exon 1 of the SMAD3 gene, results from a G to A substitution at nucleotide position 94. The glutamic acid at codon 32 is replaced by lysine, an amino acid with similar properties. This amino acid position is conserved. In addition, the in silico prediction for this alteration is inconclusive. Based on the available evidence, the clinical significance of this variant remains unclear.